The following is an entry in ClinVar:

NM_000051.4(ATM):c.5319+1G>A

Gene: ATM (ATM serine/threonine kinase; plus strand). Cytogenetic location: 11q22.3.
Variant type: single nucleotide variant.
Coding change: c.5319+1G>A on transcript NM_000051.4 (MANE Select); the canonical splice donor site of the intron after coding-DNA position 5319, G replaced by A.
Molecular consequence: splice donor variant.
Genome position (GRCh38, 1-based): chr11:108,301,790, G>A. VCF-style: chr11-108301790-G-A. GRCh37 (hg19) VCF-style: chr11-108172517-G-A.
Other names: c.5319+1G>A (NM_001351834.2).
Identifiers: ClinVar variation 233078 (VCV000233078.10), dbSNP rs876660175, ClinGen allele CA10579177.

ClinVar aggregate classification (germline): Likely pathogenic. Review status: criteria provided, multiple submitters, no conflicts (2 of 4 stars). 3 submissions from 3 submitters: Likely pathogenic (3). Last evaluated 2025-12-10.

Conditions:
Hereditary cancer-predisposing syndrome. Also called: Hereditary Cancer Syndrome; Neoplastic Syndromes, Hereditary; Tumor predisposition; Hereditary neoplastic syndrome. Identifiers: Orphanet 140162, MedGen C0027672, MeSH D009386, MONDO:0015356.
Familial cancer of breast. Also called: Hereditary breast cancer; hereditary breast carcinoma; BREAST CANCER, FAMILIAL. Identifiers: Orphanet 227535, MedGen C0346153, MONDO:0016419, OMIM 114480. Disease mechanism: loss of function.
Ataxia-telangiectasia syndrome (AT). Also called: Ataxia telangiectasia (A-T); Ataxia-telangiectasia, complementation group E; LOUIS-BAR SYNDROME; Cerebello-oculocutaneous telangiectasia; Immunodeficiency with ataxia telangiectasia; Ataxia-telangiectasia, complementation group D. Identifiers: Orphanet 100, MedGen C0004135, MONDO:0008840, OMIM 208900.

Submissions (3):

Myriad Genetics, Inc.
Classification: Likely pathogenic for Familial cancer of breast. Last evaluated: 2025-12-10. Review status: criteria provided, single submitter. Criteria: Myriad Autosomal Dominant, Autosomal Recessive and X-Linked Classification Criteria (2023). Collection method: clinical testing. Allele origin: unknown.
Comment: This variant is considered likely pathogenic. This variant occurs within a consensus splice junction and is predicted to result in abnormal mRNA splicing of either an out-of-frame exon or an in-frame exon necessary for protein stability and/or normal function.

Ambry Genetics
Classification: Likely pathogenic for Hereditary cancer-predisposing syndrome. Last evaluated: 2025-11-21. Review status: criteria provided, single submitter. Criteria: Ambry Variant Classification Scheme 2023. Collection method: clinical testing. Allele origin: germline.
Comment: The c.5319+1G>A intronic variant results from a G to A substitution one nucleotide after coding exon 34 of the ATM gene. This variant is considered to be rare based on population cohorts in the Genome Aggregation Database (gnomAD). This nucleotide position is highly conserved in available vertebrate species. In silico splice site analysis predicts that this alteration will weaken the native splice donor site. Alterations that disrupt the canonical splice site are expected to cause aberrant splicing, resulting in an abnormal protein or a transcript that is subject to nonsense-mediated mRNA decay. As such, this alteration is classified as likely pathogenic.

Labcorp Genetics (formerly Invitae), Labcorp
Classification: Likely pathogenic for Ataxia-telangiectasia syndrome. Last evaluated: 2022-12-06. Review status: criteria provided, single submitter. Criteria: Invitae Variant Classification Sherloc (09022015). Collection method: clinical testing. Allele origin: germline.
Comment: This variant is not present in population databases (gnomAD no frequency). This sequence change affects a donor splice site in intron 35 of the ATM gene. It is expected to disrupt RNA splicing. Variants that disrupt the donor or acceptor splice site typically lead to a loss of protein function (PMID: 16199547), and loss-of-function variants in ATM are known to be pathogenic (PMID: 23807571, 25614872). Disruption of this splice site has been observed in individual(s) with breast and/or ovarian cancer (PMID: 30982232). In summary, the currently available evidence indicates that the variant is pathogenic, but additional data are needed to prove that conclusively. Therefore, this variant has been classified as Likely Pathogenic. Algorithms developed to predict the effect of sequence changes on RNA splicing suggest that this variant may disrupt the consensus splice site. ClinVar contains an entry for this variant (Variation ID: 233078).

Literature cited by the submitters: PubMed 16199547 (cited by Labcorp Genetics (formerly Invitae), Labcorp); PubMed 23807571 (cited by Labcorp Genetics (formerly Invitae), Labcorp); PubMed 25614872 (cited by Labcorp Genetics (formerly Invitae), Labcorp); PubMed 30982232 (cited by Labcorp Genetics (formerly Invitae), Labcorp).